The following is an entry in ClinVar:

ClinVar aggregate classification (germline): Uncertain significance (1 of 4 stars; one submission).

Submission:

Ambry Genetics
Classification: Uncertain significance. Last evaluated: 2024-12-04. Review status: criteria provided, single submitter. Criteria: Ambry Variant Classification Scheme 2023. Collection method: clinical testing. Allele origin: germline.
Comment: The p.G100E variant (also known as c.299G>A), located in coding exon 2 of the ATRIP gene, results from a G to A substitution at nucleotide position 299. The glycine at codon 100 is replaced by glutamic acid, an amino acid with similar properties. This amino acid position is conserved. In addition, this alteration is predicted to be tolerated by in silico analysis. Based on the available evidence, the clinical significance of this variant remains unclear.

NM_130384.3(ATRIP):c.299G>A (p.Gly100Glu)

Genes: ATRIP (ATR interacting protein; plus strand), ATRIP-TREX1 (ATRIP-TREX1 readthrough; plus strand). Cytogenetic location: 3p21.31.
Variant type: single nucleotide variant.
Coding change: c.299G>A on transcript NM_130384.3 (MANE Select); coding-DNA position 299, G replaced by A.
Protein change: p.Gly100Glu; replaces glycine 100 with glutamic acid.
Molecular consequence: missense variant. On other transcripts: non-coding transcript variant (1), 5 prime UTR variant (1).
Genome position (GRCh38, 1-based): chr3:48,450,088, G>A. VCF-style: chr3-48450088-G-A. GRCh37 (hg19) VCF-style: chr3-48491494-G-A.
Other names: c.-166G>A (NM_001271022.2); c.20G>A, p.Gly7Glu (NM_001271023.2); c.299G>A, p.Gly100Glu (NM_032166.4); short protein forms G7E, G100E.
Identifiers: ClinVar variation 3464918 (VCV003464918.1).
Genomic context (GRCh38, chr3:48,450,088, plus strand): 5'-TTTTTACAGGTGATCATAAGGTCCACAGATTATTAGATGGCATGTCAAAAAATCCTTCAG[G>A]GAAAAACAGAGAAACTGTTCCAATTAAAGATAATTTCGAATTAGAGGTACTTCAGGCACA-3'
Protein context (NP_569055.1, residues 90-110): LLDGMSKNPS[Gly100Glu]KNRETVPIKD